The following is an entry in ClinVar:

ClinVar aggregate classification (germline): Likely benign. Review status: criteria provided, multiple submitters, no conflicts (2 of 4 stars). 4 submissions from 4 submitters: Likely benign (3). 1 of the submissions does not count toward it. Last evaluated 2025-12-21.

Conditions:
SLC39A13-related disorder. Also called: SLC39A13-related condition.
Ehlers-Danlos syndrome, spondylodysplastic type, 3. Also called: Ehlers-Danlos syndrome, spondylocheirodysplastic type. Identifiers: Orphanet 157965, MedGen C2676510, MONDO:0012873, OMIM 612350.

Allele frequency attached by ClinVar (database versions not stated): ExAC 0.00001; gnomAD exomes 0.00002 and 0.00006; gnomAD 0.00005 and 0.00006; TOPMed 0.00006.
gnomAD v4.1: 101 of 1,611,496 alleles (0.0063%); highest among the groups gnomAD compares: Non-Finnish European, 0.0074%; no homozygotes.

Submissions (4):

Labcorp Genetics (formerly Invitae), Labcorp
Classification: Likely benign for Ehlers-Danlos syndrome, spondylodysplastic type, 3. Last evaluated: 2025-12-21. Review status: criteria provided, single submitter. Criteria: Invitae Variant Classification Sherloc (09022015). Collection method: clinical testing. Allele origin: germline.

Fulgent Genetics
Classification: Likely benign for Ehlers-Danlos syndrome, spondylodysplastic type, 3. Last evaluated: 2021-08-16. Review status: criteria provided, single submitter. Criteria: ACMG Guidelines, 2015. Collection method: clinical testing. Allele origin: unknown.

GeneDx
Classification: Likely benign. Last evaluated: 2021-06-22. Review status: criteria provided, single submitter. Criteria: GeneDx Variant Classification Process June 2021. Collection method: clinical testing. Allele origin: germline. Affected: yes.
Comment: This variant is associated with the following publications: (PMID: 26582918, 27535533)

PreventionGenetics, part of Exact Sciences
Classification: Likely benign for SLC39A13-related condition. Last evaluated: 2019-07-17. Review status: no assertion criteria provided. Collection method: clinical testing. Allele origin: germline. Not counted in ClinVar's aggregate classification.
Comment: This variant is classified as likely benign based on ACMG/AMP sequence variant interpretation guidelines (Richards et al. 2015 PMID: 25741868, with internal and published modifications).

NM_001128225.3(SLC39A13):c.1038G>A (p.Pro346=)

Gene: SLC39A13 (solute carrier family 39 member 13; plus strand). Cytogenetic location: 11p11.2.
Variant type: single nucleotide variant.
Coding change: c.1038G>A on transcript NM_001128225.3 (MANE Select); coding-DNA position 1038, G replaced by A.
Protein change: p.Pro346=; no amino-acid change (proline 346 retained).
Molecular consequence: synonymous variant. On other transcripts: 3 prime UTR variant (1), non-coding transcript variant (1).
Genome position (GRCh38, 1-based): chr11:47,415,157, G>A. VCF-style: chr11-47415157-G-A. GRCh37 (hg19) VCF-style: chr11-47436708-G-A.
Other names: c.*35G>A (NM_001330245.2); c.1017G>A, p.Pro339= (NM_152264.5).
Identifiers: ClinVar variation 726453 (VCV000726453.16), dbSNP rs772924353, ClinGen allele CA5976031.